The following is an entry in ClinVar:

ClinVar aggregate classification (germline): Uncertain significance (1 of 4 stars; one submission).

Allele frequency attached by ClinVar (database versions not stated): gnomAD exomes below 0.00001.
gnomAD v4.1: 2 of 1,614,176 alleles (0.00012%); highest among the groups gnomAD compares: Non-Finnish European, 0.00017%; no homozygotes.

Submission:

CeGaT Center for Human Genetics Tuebingen
Classification: Uncertain significance. Last evaluated: 2022-10-01. Review status: criteria provided, single submitter. Criteria: CeGaT Center For Human Genetics Tuebingen Variant Classification Criteria Version 2. Collection method: clinical testing. Allele origin: germline. Affected: yes. Observed: 1 variant allele.
Comment: ZEB2: PP2, BP4

NM_014795.4(ZEB2):c.1342C>T (p.Leu448Phe)

Gene: ZEB2 (zinc finger E-box binding homeobox 2; minus strand). Cytogenetic location: 2q22.3.
Variant type: single nucleotide variant.
Coding change: c.1342C>T on transcript NM_014795.4 (MANE Select); coding-DNA position 1342, C replaced by T.
Protein change: p.Leu448Phe; replaces leucine 448 with phenylalanine.
Molecular consequence: missense variant.
Genome position (GRCh38, 1-based): chr2:144,399,845, G>A on the plus strand (C>T on the coding strand, the complement: ZEB2 is on the minus strand). VCF-style: chr2-144399845-G-A. GRCh37 (hg19) VCF-style: chr2-145157412-G-A.
Other names: c.1270C>T, p.Leu424Phe (NM_001171653.2); short protein forms L424F, L448F.
Identifiers: ClinVar variation 2651397 (VCV002651397.24), dbSNP rs1390459414, ClinGen allele CA348712066.